The following is an entry in ClinVar:

ClinVar aggregate classification (germline): Uncertain significance (1 of 4 stars; one submission).

Submission:

Labcorp Genetics (formerly Invitae), Labcorp
Classification: Uncertain significance. Last evaluated: 2022-09-27. Review status: criteria provided, single submitter. Criteria: Invitae Variant Classification Sherloc (09022015). Collection method: clinical testing. Allele origin: germline.
Comment: In summary, the available evidence is currently insufficient to determine the role of this variant in disease. Therefore, it has been classified as a Variant of Uncertain Significance. Algorithms developed to predict the effect of missense changes on protein structure and function are either unavailable or do not agree on the potential impact of this missense change (SIFT: "Deleterious"; PolyPhen-2: "Benign"; Align-GVGD: "Class C0"). ClinVar contains an entry for this variant (Variation ID: 966613). This variant has not been reported in the literature in individuals affected with PITPNM3-related conditions. This variant is not present in population databases (gnomAD no frequency). This sequence change replaces valine, which is neutral and non-polar, with alanine, which is neutral and non-polar, at codon 929 of the PITPNM3 protein (p.Val929Ala).

NM_031220.4(PITPNM3):c.2786T>C (p.Val929Ala)

Gene: PITPNM3 (PITPNM family member 3; minus strand). Cytogenetic location: 17p13.2.
Variant type: single nucleotide variant.
Coding change: c.2786T>C on transcript NM_031220.4 (MANE Select); coding-DNA position 2786, T replaced by C.
Protein change: p.Val929Ala; replaces valine 929 with alanine.
Molecular consequence: missense variant.
Genome position (GRCh38, 1-based): chr17:6,455,477, A>G on the plus strand (T>C on the coding strand, the complement: PITPNM3 is on the minus strand). VCF-style: chr17-6455477-A-G. GRCh37 (hg19) VCF-style: chr17-6358797-A-G.
Other names: c.2678T>C, p.Val893Ala (NM_001165966.2); short protein forms V893A, V929A.
Identifiers: ClinVar variation 966613 (VCV000966613.10), dbSNP rs1914047713, ClinGen allele CA397400080.
Genomic context (GRCh38, chr17:6,455,477, plus strand): 5'-TCGGGCTGGCTCTGGGCCCGCTCGGGCTTGGGGTTGGCGGCGGGCGGGTCGGGCTGCTGC[A>G]CTGACATGGTTCTGCGCAGGTGGTTGCGCTTCCGCAGGAACTCTGGCTGCGCGTGCAGCC-3'
Protein context (NP_112497.2, residues 919-939): KRNHLRRTMS[Val929Ala]QQPDPPAANP